The following is an entry in ClinVar:

NM_000243.3(MEFV):c.1173T>C (p.Asp391=)

Gene: MEFV (MEFV innate immunity regulator, pyrin; minus strand). Cytogenetic location: 16p13.3.
Variant type: single nucleotide variant.
Coding change: c.1173T>C on transcript NM_000243.3 (MANE Select); coding-DNA position 1173, T replaced by C.
Protein change: p.Asp391=; no amino-acid change (aspartic acid 391 retained).
Molecular consequence: synonymous variant.
Genome position (GRCh38, 1-based): chr16:3,249,518, A>G on the plus strand (T>C on the coding strand, the complement: MEFV is on the minus strand). VCF-style: chr16-3249518-A-G. GRCh37 (hg19) VCF-style: chr16-3299518-A-G.
Other names: c.540T>C, p.Asp180= (NM_001198536.2).
Identifiers: ClinVar variation 319114 (VCV000319114.53), dbSNP rs146077729, ClinGen allele CA7860223.
Genomic context (GRCh38, chr16:3,249,518, plus strand): 5'-GGGGCGCACCCGGTGGCCTTGGTGCTCCTGACTCAGACTGCAGATGAGGCAGATGGGCTC[A>G]TCGTGATCCTCACAGAAGAGCAGCTGGACCTGCTTCAGGTGGCGCTTACACTGTGGCAGG-3'
Protein context (NP_000234.1, residues 381-401): QVQLLFCEDH[Asp391=]EPICLICSLS

ClinVar aggregate classification (germline): Conflicting classifications of pathogenicity. Review status: criteria provided, conflicting classifications (1 of 4 stars). 6 submissions from 6 submitters: Uncertain significance (1); Benign (2); Likely benign (2). 1 of the submissions does not count toward it. Last evaluated 2026-01-20.

Conditions:
Familial Mediterranean fever (FMF). Also called: POLYSEROSITIS, FAMILIAL PAROXYSMAL; POLYSEROSITIS, RECURRENT; Periodic peritonitis; Benign paroxysmal peritonitis. Identifiers: Orphanet 342, MedGen C0031069, MONDO:0018088, OMIM 249100. Disease mechanism: gain of function.
Inborn genetic diseases. Identifiers: MedGen C0950123, MeSH D030342.

Allele frequency attached by ClinVar (database versions not stated): TOPMed 0.00011; ESP Exome Variant Server 0.00015; 1000 Genomes Project 30x 0.00047; 1000 Genomes Project 0.00060; ExAC 0.00191; gnomAD 0.00194 and 0.00201; gnomAD exomes 0.00223.

Submissions (6):

Labcorp Genetics (formerly Invitae), Labcorp
Classification: Benign for Familial Mediterranean fever. Last evaluated: 2026-01-20. Review status: criteria provided, single submitter. Criteria: Invitae Variant Classification Sherloc (09022015). Collection method: clinical testing. Allele origin: germline.

Ambry Genetics
Classification: Likely benign for Inborn genetic diseases. Last evaluated: 2023-10-23. Review status: criteria provided, single submitter. Criteria: Ambry Variant Classification Scheme 2023. Collection method: clinical testing. Allele origin: germline.

CeGaT Center for Human Genetics Tuebingen
Classification: Likely benign. Last evaluated: 2022-09-01. Review status: criteria provided, single submitter. Criteria: CeGaT Center For Human Genetics Tuebingen Variant Classification Criteria Version 2. Collection method: clinical testing. Allele origin: germline. Affected: yes. Observed: 1 variant allele.
Comment: MEFV: BP4, BP7

Illumina Laboratory Services, Illumina
Classification: Uncertain significance for Familial Mediterranean fever. Last evaluated: 2018-01-13. Review status: criteria provided, single submitter. Criteria: ICSL Variant Classification Criteria 13 December 2019. Collection method: clinical testing. Allele origin: germline.

GeneDx
Classification: Benign. Last evaluated: 2015-03-03. Review status: criteria provided, single submitter. Criteria: GeneDx Variant Classification Process June 2021. Collection method: clinical testing. Allele origin: germline. Affected: yes.

Natera, Inc.
Classification: Likely benign for Familial Mediterranean fever. Last evaluated: 2020-05-18. Review status: no assertion criteria provided. Collection method: clinical testing. Allele origin: germline. Not counted in ClinVar's aggregate classification.